The following is an entry in ClinVar:

NM_000069.3(CACNA1S):c.4322A>G (p.His1441Arg)

Gene: CACNA1S (calcium voltage-gated channel subunit alpha1 S; minus strand). Cytogenetic location: 1q32.1.
Variant type: single nucleotide variant.
Coding change: c.4322A>G on transcript NM_000069.3 (MANE Select); coding-DNA position 4322, A replaced by G.
Protein change: p.His1441Arg; replaces histidine 1441 with arginine.
Molecular consequence: missense variant.
Genome position (GRCh38, 1-based): chr1:201,049,019, T>C on the plus strand (A>G on the coding strand, the complement: CACNA1S is on the minus strand). VCF-style: chr1-201049019-T-C. GRCh37 (hg19) VCF-style: chr1-201018147-T-C.
Other names: c.4322A>G (NM_000069.2); short protein forms H1441R.
Identifiers: ClinVar variation 2935731 (VCV002935731.2), dbSNP rs1318923243, ClinGen allele CA344146050.
Genomic context (GRCh38, chr1:201,049,019, plus strand): 5'-TCTTCCCCTCCCTGGGGCCACCCATCCCTGGCAGCTCTGGTTACCTTACAAGCTACCCGA[T>C]GTGGGCAGAACTTCCCAAAGCCCAGAGGGGGCTGAATCCTTCTCAGCAGGGTCACCACGT-3'
Protein context (NP_000060.2, residues 1431-1451): PPLGFGKFCP[His1441Arg]RVACKRLVGM

ClinVar aggregate classification (germline): Uncertain significance. Review status: criteria provided, multiple submitters, no conflicts (2 of 4 stars). 2 submissions from 2 submitters: Uncertain significance (2). Last evaluated 2025-02-14.

Conditions:
Malignant hyperthermia, susceptibility to, 5 (MHS5). Also called: CACNA1S-Related Malignant Hyperthermia Susceptibility. Identifiers: Orphanet 423, MedGen C1866077, MONDO:0011163, OMIM 601887.
Hypokalemic periodic paralysis, type 1. Also called: HypoPP; Hypokalemic Periodic Paralysis Type 1 (AD). Identifiers: Orphanet 681, MedGen C3714580, MONDO:0042979, OMIM 170400.

Allele frequency attached by ClinVar (database versions not stated): gnomAD exomes below 0.00001.
gnomAD v4.1: 2 of 1,613,664 alleles (0.00012%); highest among the groups gnomAD compares: Non-Finnish European, 0.00017%; no homozygotes.

Submissions (2):

GeneDx
Classification: Uncertain significance. Last evaluated: 2025-02-14. Review status: criteria provided, single submitter. Criteria: GeneDx Variant Classification Process June 2021. Collection method: clinical testing. Allele origin: germline. Affected: yes.
Comment: Not observed at significant frequency in large population cohorts (gnomAD); In silico analysis supports that this missense variant has a deleterious effect on protein structure/function; Has not been previously published as pathogenic or benign to our knowledge

Labcorp Genetics (formerly Invitae), Labcorp
Classification: Uncertain significance for Hypokalemic periodic paralysis, type 1; Malignant hyperthermia, susceptibility to, 5. Last evaluated: 2023-10-22. Review status: criteria provided, single submitter. Criteria: Invitae Variant Classification Sherloc (09022015). Collection method: clinical testing. Allele origin: germline.
Comment: This sequence change replaces histidine, which is basic and polar, with arginine, which is basic and polar, at codon 1441 of the CACNA1S protein (p.His1441Arg). This variant is present in population databases (no rsID available, gnomAD 0.0009%). This variant has not been reported in the literature in individuals affected with CACNA1S-related conditions. Advanced modeling of protein sequence and biophysical properties (such as structural, functional, and spatial information, amino acid conservation, physicochemical variation, residue mobility, and thermodynamic stability) performed at Invitae indicates that this missense variant is not expected to disrupt CACNA1S protein function. In summary, the available evidence is currently insufficient to determine the role of this variant in disease. Therefore, it has been classified as a Variant of Uncertain Significance.